The following is an entry in ClinVar:

NM_206933.4(USH2A):c.11389G>A (p.Gly3797Arg)

Gene: USH2A (usherin; minus strand). Cytogenetic location: 1q41.
Variant type: single nucleotide variant.
Coding change: c.11389G>A on transcript NM_206933.4 (MANE Select); coding-DNA position 11389, G replaced by A.
Protein change: p.Gly3797Arg; replaces glycine 3797 with arginine.
Molecular consequence: missense variant.
Genome position (GRCh38, 1-based): chr1:215,758,595, C>T on the plus strand (G>A on the coding strand, the complement: USH2A is on the minus strand). VCF-style: chr1-215758595-C-T. GRCh37 (hg19) VCF-style: chr1-215931937-C-T.
Other names: short protein forms G3797R.
Identifiers: ClinVar variation 1061012 (VCV001061012.8), dbSNP rs1413394539, ClinGen allele CA344820426.
Genomic context (GRCh38, chr1:215,758,595, plus strand): 5'-TCTAATTAATTCCTTTAAAATGTTTACACACACACACACATACTTCTTTTTTTTTTTTAC[C>T]TGGTGGTATCCAAGCTACAAATATAGAATAAGGCCCAATTACTGTGATATTATATGGAGG-3'
Protein context (NP_996816.3, residues 3787-3807): YSIFVAWIPP[Gly3797Arg]ILIPEIPVEY

ClinVar aggregate classification (germline): Uncertain significance. Review status: criteria provided, multiple submitters, no conflicts (2 of 4 stars). 3 submissions from 3 submitters: Uncertain significance (3). Last evaluated 2025-11-20.

Conditions:
Usher syndrome type 2A. Also called: RETINAL DISEASE IN USHER SYNDROME TYPE IIA, MODIFIER OF; USHER SYNDROME, TYPE IIA. Identifiers: Orphanet 231178, Orphanet 886, MedGen C1848634, MONDO:0010169, OMIM 276901.

Submissions (3):

3billion
Classification: Uncertain significance for Usher syndrome type 2A. Last evaluated: 2025-11-20. Review status: criteria provided, single submitter. Criteria: ACMG Guidelines, 2015. Collection method: clinical testing. Allele origin: germline. Affected: yes.
Comment: The variant is observed at an extremely low frequency in the gnomAD v4.1.0 dataset (total allele frequency: 0.001%). Predicted Consequence/Location: Missense variant In silico tools predict the variant to alter splicing and produce an abnormal transcript [SpliceAI: 0.91 (>=0.2, moderate evidence for spliceogenicity)]. The variant has been reported as of uncertain significance (ClinVar ID: VCV001061012; 3billion dataset). However, the evidence of pathogenicity is insufficient at this time. Therefore, this variant is classified as VUS according to the recommendation of ACMG/AMP guideline.

Blueprint Genetics
Classification: Uncertain significance. Last evaluated: 2023-08-02. Review status: criteria provided, single submitter. Criteria: ACMG Guidelines, 2015. Collection method: clinical testing. Allele origin: germline.

Labcorp Genetics (formerly Invitae), Labcorp
Classification: Uncertain significance. Last evaluated: 2022-09-01. Review status: criteria provided, single submitter. Criteria: Invitae Variant Classification Sherloc (09022015). Collection method: clinical testing. Allele origin: germline.
Comment: This sequence change replaces glycine, which is neutral and non-polar, with arginine, which is basic and polar, at codon 3797 of the USH2A protein (p.Gly3797Arg). This variant also falls at the last nucleotide of exon 58, which is part of the consensus splice site for this exon. The frequency data for this variant in the population databases is considered unreliable, as metrics indicate poor data quality at this position in the gnomAD database. This missense change has been observed in individual(s) with USH2A-related conditions (Invitae). ClinVar contains an entry for this variant (Variation ID: 1061012). Algorithms developed to predict the effect of missense changes on protein structure and function (SIFT, PolyPhen-2, Align-GVGD) all suggest that this variant is likely to be disruptive. Variants that disrupt the consensus splice site are a relatively common cause of aberrant splicing (PMID: 17576681, 9536098). Algorithms developed to predict the effect of sequence changes on RNA splicing suggest that this variant may disrupt the consensus splice site. In summary, the available evidence is currently insufficient to determine the role of this variant in disease. Therefore, it has been classified as a Variant of Uncertain Significance.

Literature cited by the submitters: PubMed 17576681 (cited by Labcorp Genetics (formerly Invitae), Labcorp); PubMed 9536098 (cited by Labcorp Genetics (formerly Invitae), Labcorp).